The following is an entry in ClinVar:

NM_021930.6(RINT1):c.2054A>G (p.Tyr685Cys)

Genes: EFCAB10 (EF-hand calcium binding domain 10; minus strand), RINT1 (RAD50 interactor 1; plus strand). Cytogenetic location: 7q22.3.
Variant type: single nucleotide variant.
Coding change: c.2054A>G on transcript NM_021930.6 (MANE Select); coding-DNA position 2054, A replaced by G.
Protein change: p.Tyr685Cys; replaces tyrosine 685 with cysteine.
Molecular consequence: missense variant. On other transcripts: 3 prime UTR variant (2), synonymous variant (1), non-coding transcript variant (1).
Genome position (GRCh38, 1-based): chr7:105,565,444, A>G. VCF-style: chr7-105565444-A-G. GRCh37 (hg19) VCF-style: chr7-105205891-A-G.
Other names: c.*3T>C (NM_001355526.2); c.*105T>C (NM_001355530.2); c.363T>C, p.Cys121= (NM_001355531.2); c.1820A>G, p.Tyr607Cys (NM_001346599.2); c.1031A>G, p.Tyr344Cys (NM_001346600.2, NM_001346603.2); c.1130A>G, p.Tyr377Cys (NM_001346601.2); short protein forms Y607C, Y685C, Y344C, Y377C.
Identifiers: ClinVar variation 1785108 (VCV001785108.3), dbSNP rs1344560234, ClinGen allele CA368814989.

ClinVar aggregate classification (germline): Uncertain significance (1 of 4 stars; one submission).

gnomAD v4.1: 1 of 1,614,086 alleles (0.000062%); no homozygotes.

Submission:

Ambry Genetics
Classification: Uncertain significance. Last evaluated: 2025-06-26. Review status: criteria provided, single submitter. Criteria: Ambry Variant Classification Scheme 2023. Collection method: clinical testing. Allele origin: germline.
Comment: The p.Y685C variant (also known as c.2054A>G), located in coding exon 13 of the RINT1 gene, results from an A to G substitution at nucleotide position 2054. The tyrosine at codon 685 is replaced by cysteine, an amino acid with highly dissimilar properties. This amino acid position is conserved. In addition, this alteration is predicted to be tolerated by in silico analysis. Since supporting evidence is limited at this time, the clinical significance of this alteration remains unclear.